The following is an entry in ClinVar:

ClinVar aggregate classification (germline): Benign. Review status: criteria provided, multiple submitters, no conflicts (2 of 4 stars). 6 submissions from 6 submitters: Benign (5). 1 of the submissions does not count toward it. Last evaluated 2026-02-01.

Conditions:
Congenital myasthenic syndrome 8. Also called: Myasthenic syndrome, congenital, 8, with pre- and postsynaptic defects; MYASTHENIC SYNDROME, CONGENITAL, DUE TO AGRIN DEFICIENCY. Identifiers: Orphanet 590, MedGen C3808739, MONDO:0014052, OMIM 615120.

Allele frequency attached by ClinVar (database versions not stated): ESP Exome Variant Server 0.00538; gnomAD 0.00588 and 0.00772; TOPMed 0.00612; gnomAD exomes 0.00964 and 0.01302; 1000 Genomes Project 30x 0.01296; 1000 Genomes Project 0.01398; ExAC 0.01432.
gnomAD v4.1: 15,375 of 1,605,086 alleles (0.96%); highest among the groups gnomAD compares: South Asian, 5.7%; 281 homozygotes.

Submissions (6):

Labcorp Genetics (formerly Invitae), Labcorp
Classification: Benign for Congenital myasthenic syndrome 8. Last evaluated: 2026-02-01. Review status: criteria provided, single submitter. Criteria: Invitae Variant Classification Sherloc (09022015). Collection method: clinical testing. Allele origin: germline.

GeneDx
Classification: Benign. Last evaluated: 2020-08-21. Review status: criteria provided, single submitter. Criteria: GeneDx Variant Classification Process June 2021. Collection method: clinical testing. Allele origin: germline. Affected: yes.
Comment: This variant is associated with the following publications: (PMID: 31167812)

Mayo Clinic Laboratories, Mayo Clinic
Classification: Benign. Last evaluated: 2019-07-23. Review status: criteria provided, single submitter. Criteria: ACMG Guidelines, 2015. Collection method: clinical testing. Allele origin: germline. Observed: 9 variant alleles.

Breakthrough Genomics
Classification: Benign. Review status: criteria provided, single submitter. Criteria: ACMG Guidelines, 2015. Collection method: not provided. Allele origin: germline. Inheritance: Autosomal recessive inheritance. Affected: yes.

PreventionGenetics, part of Exact Sciences
Classification: Benign. Review status: criteria provided, single submitter. Criteria: ACMG Guidelines, 2015. Collection method: clinical testing. Allele origin: germline.

Genetic Services Laboratory, University of Chicago
Classification: Likely benign for AllHighlyPenetrant. Review status: no assertion criteria provided. Collection method: clinical testing. Allele origin: germline. Inheritance: Autosomal recessive inheritance. Not counted in ClinVar's aggregate classification.
Comment: Likely benign based on allele frequency in 1000 Genomes Project or ESP global frequency and its presence in a patient with a rare or unrelated disease phenotype. NOT Sanger confirmed.

NM_198576.4(AGRN):c.3404A>G (p.Gln1135Arg)

Gene: AGRN (agrin; plus strand). Cytogenetic location: 1p36.33.
Variant type: single nucleotide variant.
Coding change: c.3404A>G on transcript NM_198576.4 (MANE Select); coding-DNA position 3404, A replaced by G.
Protein change: p.Gln1135Arg; replaces glutamine 1135 with arginine.
Molecular consequence: missense variant.
Genome position (GRCh38, 1-based): chr1:1,047,342, A>G. VCF-style: chr1-1047342-A-G. GRCh37 (hg19) VCF-style: chr1-982722-A-G.
Other names: p.Gln1135Arg; c.3404A>G (LRG_198t1); c.3404A>G, p.Gln1135Arg (NM_001305275.2); c.3089A>G, p.Gln1030Arg (NM_001364727.2); short protein forms Q1135R, Q1030R.
Identifiers: ClinVar variation 128299 (VCV000128299.21), dbSNP rs142416636, ClinGen allele CA151632.